The following is an entry in ClinVar:

NC_000011.10:g.5225256_5225875delinsTCTACTT

Genes: HBB (hemoglobin subunit beta; minus strand), LOC107133510 (origin of replication at HBB; plus strand), LOC110006319 (beta-globin gene 3' regulatory region; plus strand). Cytogenetic location: 11p15.4.
Variant type: Indel.
Genome position: GRCh38: chr11:5,225,256-5,225,875. GRCh37 (hg19): chr11:5,246,486-5,247,105.
Identifiers: ClinVar variation 982010 (VCV000982010.3), dbSNP rs1847513733, ClinGen allele CA915940716.

ClinVar aggregate classification (germline): Pathogenic. Review status: criteria provided, multiple submitters, no conflicts (2 of 4 stars). 2 submissions from 2 submitters: Pathogenic (2). Last evaluated 2020-03-19.

Conditions:
Inborn genetic diseases. Identifiers: MedGen C0950123, MeSH D030342.
Beta-thalassemia major. Identifiers: Orphanet 231214, MedGen C0002875, MONDO:0016486.

Submissions (2):

Women's Health and Genetics/Laboratory Corporation of America, LabCorp
Classification: Pathogenic for Beta thalassemia major. Last evaluated: 2020-03-19. Review status: criteria provided, single submitter. Criteria: LabCorp Variant Classification Summary - May 2015. Collection method: clinical testing. Allele origin: germline.
Comment: Variant summary: This HBB c.316-149_*342delinsAAGTAGA variant involves the deletion of 619 bp including the last exon (exon 3) of the HBB gene and insertion of 7 nucleotides. The variant was absent in 21694 control chromosomes (gnomAD SVs database). c.316-149_*342delinsAAGTAGA has been reported in the literature in multiple individuals affected with Beta Thalassemia Major (e.g. Orkin_1979, Baysal_1994, Turner_2016). These data indicate that the variant is very likely to be associated with disease. No clinical diagnostic laboratories have submitted clinical-significance assessments for this variant to ClinVar after 2014. Based on the evidence outlined above, the variant was classified as pathogenic.

Ambry Genetics
Classification: Pathogenic for Inborn genetic diseases. Last evaluated: 2016-04-29. Review status: criteria provided, single submitter. Criteria: Ambry Variant Classification Scheme 2023. Collection method: clinical testing. Allele origin: germline.
Comment: The c.316-149_*342delinsAAGTAGA pathogenic mutation (also known as del619 and c.1065del619) is located in the HBB gene. The mutation consists of a deletion of 620 nucleotides and a 7 base-pair insertion. This 620 base-pair deletion, which causes beta-zero-thalassemia, was observed in 13.8% of alleles in north Indian patients and homozygous affected individuals usually have presentation before 1 year of age (Sharma N et al. Eur J Haematol. 2010;84(6):531-7). In another study, this mutation was observed in 18.4% (138/750) of beta-thalassemia alleles in Pakistani carriers. However, the consanguinity rate in this population is 55% (Moatter T et al. Int J Hematol. 2012;95(4):394-8). In addition to the clinical data presented in the literature, since gross deletions are typically deleterious in nature, this alteration is interpreted as a disease-causing mutation (ACMG Recommendations for Standards for Interpretation and Reporting of Sequence Variations. Revision 2007. Genet Med. 2008;10:294).

Literature cited by the submitters: PubMed 7928376 (cited by Women's Health and Genetics/Laboratory Corporation of America, LabCorp); PubMed 287080 (cited by Women's Health and Genetics/Laboratory Corporation of America, LabCorp); PubMed 20960433 (cited by Women's Health and Genetics/Laboratory Corporation of America, LabCorp); PubMed 27756326 (cited by Women's Health and Genetics/Laboratory Corporation of America, LabCorp).